The following is an entry in ClinVar:

NM_207034.3(EDN3):c.*864C>G

Gene: EDN3 (endothelin 3; plus strand). Cytogenetic location: 20q13.32.
Variant type: single nucleotide variant.
Coding change: c.*864C>G on transcript NM_207034.3 (MANE Select); 864 bases downstream of the stop codon, C replaced by G.
Molecular consequence: 3 prime UTR variant.
Genome position (GRCh38, 1-based): chr20:59,325,323, C>G. VCF-style: chr20-59325323-C-G. GRCh37 (hg19) VCF-style: chr20-57900378-C-G.
Other names: c.*988C>G (NM_001302455.2); c.*956C>G (NM_001302456.2, NM_207032.3); c.*864C>G (NM_207033.3).
Identifiers: ClinVar variation 339151 (VCV000339151.5), dbSNP rs3026573, ClinGen allele CA10653319.

ClinVar aggregate classification (germline): Benign (1 of 4 stars; one submission).

Conditions:
Hirschsprung disease, susceptibility to, 4. Identifiers: Orphanet 388, MedGen C3150975, MONDO:0013384, OMIM 613712.

Allele frequency attached by ClinVar (database versions not stated): gnomAD 0.01525 and 0.01621; 1000 Genomes Project 0.01757; 1000 Genomes Project 30x 0.01780; TOPMed 0.01781.

Submission:

Illumina Laboratory Services, Illumina
Classification: Benign for Hirschsprung disease, susceptibility to, 4. Last evaluated: 2018-01-13. Review status: criteria provided, single submitter. Criteria: ICSL Variant Classification Criteria 13 December 2019. Collection method: clinical testing. Allele origin: germline.
Comment: This variant was observed in the ICSL laboratory as part of a predisposition screen in an ostensibly healthy population. It had not been previously curated by ICSL or reported in the Human Gene Mutation Database (HGMD: prior to June 1st, 2018), and was therefore a candidate for classification through an automated scoring system. Utilizing variant allele frequency, disease prevalence and penetrance estimates, and inheritance mode, an automated score was calculated to assess if this variant is too frequent to cause the disease. Based on the score and internal cut-off values, a variant classified as benign is not then subjected to further curation. The score for this variant resulted in a classification of benign for this disease.